The following is an entry in ClinVar:

NM_000368.5(TSC1):c.2861T>C (p.Ile954Thr)

Gene: TSC1 (TSC complex subunit 1; minus strand). Cytogenetic location: 9q34.13.
Variant type: single nucleotide variant.
Coding change: c.2861T>C on transcript NM_000368.5 (MANE Select); coding-DNA position 2861, T replaced by C.
Protein change: p.Ile954Thr; replaces isoleucine 954 with threonine.
Molecular consequence: missense variant.
Genome position (GRCh38, 1-based): chr9:132,897,298, A>G on the plus strand (T>C on the coding strand, the complement: TSC1 is on the minus strand). VCF-style: chr9-132897298-A-G. GRCh37 (hg19) VCF-style: chr9-135772685-A-G.
Other names: c.2858T>C, p.Ile953Thr (NM_001162426.2, NM_001406597.1, NM_001406598.1 and 2 more transcripts); c.2708T>C, p.Ile903Thr (NM_001162427.2, NM_001406610.1); c.2498T>C, p.Ile833Thr (NM_001362177.2, NM_001406614.1, NM_001406615.1 and 4 more transcripts); c.2861T>C, p.Ile954Thr (NM_001406592.1, NM_001406593.1, NM_001406594.1 and 2 more transcripts); c.2846T>C, p.Ile949Thr (NM_001406601.1, NM_001406602.1); c.2843T>C, p.Ile948Thr (NM_001406603.1, NM_001406604.1); c.2819T>C, p.Ile940Thr (NM_001406605.1, NM_001406606.1, NM_001406607.1); c.2816T>C, p.Ile939Thr (NM_001406608.1, NM_001406609.1); and 8 more; short protein forms I832T, I903T, I949T, I954T, I636T, I833T, I939T, I953T.
Identifiers: ClinVar variation 1796969 (VCV001796969.6), dbSNP rs1845129125, ClinGen allele CA375368844.
Genomic context (GRCh38, chr9:132,897,298, plus strand): 5'-AGGCCATCTTTCTCCAACCTGCCATATAAATCTAAGATCTCCAATTCAAACACCTGGGTT[A>G]TCCTTTTCTGAGCCTCATACCTGCTCTCTGCGGCCTGCAGCTGTCCTCTGAAAGATACAG-3'
Protein context (NP_000359.1, residues 944-964): AESRYEAQKR[Ile954Thr]TQVFELEILD

ClinVar aggregate classification (germline): Uncertain significance. Review status: criteria provided, multiple submitters, no conflicts (2 of 4 stars). 3 submissions from 3 submitters: Uncertain significance (3). Last evaluated 2025-01-14.

Conditions:
Hereditary cancer-predisposing syndrome. Also called: Hereditary neoplastic syndrome; Neoplastic Syndromes, Hereditary; Tumor predisposition; Hereditary Cancer Syndrome. Identifiers: Orphanet 140162, MedGen C0027672, MeSH D009386, MONDO:0015356.
Tuberous sclerosis 1 (TSC1). Identifiers: Orphanet 805, MedGen C1854465, MONDO:0008612, OMIM 191100.
Isolated focal cortical dysplasia type II (FCORD2). Also called: CORTICAL DYSPLASIA OF TAYLOR; Focal cortical dysplasia type II. Identifiers: Orphanet 268994, MedGen C1846385, MONDO:0011818, OMIM 607341, HP:0032051.
Lymphangiomyomatosis (LAM). Also called: Lymphangioleiomyomatosis, somatic; Lymphangioleiomyomatosis. Identifiers: Orphanet 538, MedGen C0751674, MONDO:0011705, OMIM 606690.

Allele frequency attached by ClinVar (database versions not stated): gnomAD exomes below 0.00001.
gnomAD v4.1: 1 of 1,614,244 alleles (0.000062%); highest among the groups gnomAD compares: East Asian, 0.0022%; no homozygotes.

Submissions (3):

Labcorp Genetics (formerly Invitae), Labcorp
Classification: Uncertain significance for Tuberous sclerosis 1. Last evaluated: 2025-01-14. Review status: criteria provided, single submitter. Criteria: Invitae Variant Classification Sherloc (09022015). Collection method: clinical testing. Allele origin: germline.
Comment: This sequence change replaces isoleucine, which is neutral and non-polar, with threonine, which is neutral and polar, at codon 954 of the TSC1 protein (p.Ile954Thr). This variant is not present in population databases (gnomAD no frequency). This variant has not been reported in the literature in individuals affected with TSC1-related conditions. ClinVar contains an entry for this variant (Variation ID: 1796969). Invitae Evidence Modeling of protein sequence and biophysical properties (such as structural, functional, and spatial information, amino acid conservation, physicochemical variation, residue mobility, and thermodynamic stability) has been performed for this missense variant. However, the output from this modeling did not meet the statistical confidence thresholds required to predict the impact of this variant on TSC1 protein function. In summary, the available evidence is currently insufficient to determine the role of this variant in disease. Therefore, it has been classified as a Variant of Uncertain Significance.

Ambry Genetics
Classification: Uncertain significance for Hereditary cancer-predisposing syndrome. Last evaluated: 2022-08-22. Review status: criteria provided, single submitter. Criteria: Ambry Variant Classification Scheme 2023. Collection method: clinical testing. Allele origin: germline.
Comment: The p.I954T variant (also known as c.2861T>C), located in coding exon 20 of the TSC1 gene, results from a T to C substitution at nucleotide position 2861. The isoleucine at codon 954 is replaced by threonine, an amino acid with similar properties. This amino acid position is conserved. In addition, this alteration is predicted to be deleterious by in silico analysis. Since supporting evidence is limited at this time, the clinical significance of this alteration remains unclear.

Juno Genomics, Hangzhou Juno Genomics, Inc
Classification: Uncertain significance for Tuberous sclerosis 1; Isolated focal cortical dysplasia type II; Lymphangiomyomatosis. Review status: criteria provided, single submitter. Criteria: ACMG Guidelines, 2015. Collection method: clinical testing. Allele origin: germline.
Comment: Absent from controls (or at extremely low frequency if recessive) in Genome Aggregation Database.;Missense variant in a gene that has a low rate of benign missense variation.;Multiple lines of computational evidence support a deleterious effect on the gene or gene product.